The following is an entry in ClinVar:

ClinVar aggregate classification (germline): Uncertain significance (1 of 4 stars; one submission).

Allele frequency attached by ClinVar (database versions not stated): ExAC 0.00001.
gnomAD v4.1: 11 of 1,614,174 alleles (0.00068%); highest among the groups gnomAD compares: South Asian, 0.012%; no homozygotes.

Submission:

Ambry Genetics
Classification: Uncertain significance. Last evaluated: 2022-10-17. Review status: criteria provided, single submitter. Criteria: Ambry Variant Classification Scheme 2023. Collection method: clinical testing. Allele origin: germline.
Comment: The p.D486G variant (also known as c.1457A>G), located in coding exon 6 of the PALLD gene, results from an A to G substitution at nucleotide position 1457. The aspartic acid at codon 486 is replaced by glycine, an amino acid with similar properties. This amino acid position is conserved. In addition, this alteration is predicted to be deleterious by in silico analysis. Since supporting evidence is limited at this time, the clinical significance of this alteration remains unclear.

NM_001166108.2(PALLD):c.1457A>G (p.Asp486Gly)

Gene: PALLD (palladin, cytoskeletal associated protein; plus strand). Cytogenetic location: 4q32.3.
Variant type: single nucleotide variant.
Coding change: c.1457A>G on transcript NM_001166108.2 (MANE Select); coding-DNA position 1457, A replaced by G.
Protein change: p.Asp486Gly; replaces aspartic acid 486 with glycine.
Molecular consequence: missense variant.
Genome position (GRCh38, 1-based): chr4:168,690,724, A>G. VCF-style: chr4-168690724-A-G. GRCh37 (hg19) VCF-style: chr4-169611875-A-G.
Other names: c.311A>G, p.Asp104Gly (NM_001166109.2); c.1457A>G, p.Asp486Gly (NM_016081.4); short protein forms D104G, D486G.
Identifiers: ClinVar variation 1773071 (VCV001773071.2), dbSNP rs751698385, ClinGen allele CA3135613.
Genomic context (GRCh38, chr4:168,690,724, plus strand): 5'-GGGCACCCCCTCTGCAGGTCCAGTGGTTTCGGCAAGGGAGTGAAATCCAAGACTCTCCAG[A>G]TTTCCGAATTCTACAGAAAAGTAAGGAGAAGTGCCCATGTCCCCAAATCTGACCATTTTA-3'
Protein context (NP_001159580.1, residues 476-496): RQGSEIQDSP[Asp486Gly]FRILQKKPRS